The following is an entry in ClinVar:

NM_031407.7(HUWE1):c.10192A>G (p.Met3398Val)

Gene: HUWE1 (HECT, UBA and WWE domain containing E3 ubiquitin protein ligase 1; minus strand). Cytogenetic location: Xp11.22.
Variant type: single nucleotide variant.
Coding change: c.10192A>G on transcript NM_031407.7 (MANE Select); coding-DNA position 10192, A replaced by G.
Protein change: p.Met3398Val; replaces methionine 3398 with valine.
Molecular consequence: missense variant.
Genome position (GRCh38, 1-based): chrX:53,548,117, T>C on the plus strand (A>G on the coding strand, the complement: HUWE1 is on the minus strand). VCF-style: chrX-53548117-T-C. GRCh37 (hg19) VCF-style: chrX-53575078-T-C.
Other names: c.10189A>G, p.Met3397Val (NM_001441048.1, NM_001441051.1, NM_001441053.1 and 2 more transcripts); c.10192A>G, p.Met3398Val (NM_001441049.1, NM_001441054.1, NM_001441057.1); c.10213A>G, p.Met3405Val (NM_001441050.1, NM_001441055.1); c.9790A>G, p.Met3264Val (NM_001441052.1); short protein forms M3264V, M3397V, M3398V, M3405V.
Identifiers: ClinVar variation 4282479 (VCV004282479.2).

ClinVar aggregate classification (germline): Uncertain significance (1 of 4 stars; one submission).

gnomAD v4.1: 9 of 1,208,572 alleles (0.00074%); highest among the groups gnomAD compares: South Asian, 0.0036%; no homozygotes.

Submission:

GeneDx
Classification: Uncertain significance. Last evaluated: 2026-04-18. Review status: criteria provided, single submitter. Criteria: GeneDx Variant Classification Process June 2021. Collection method: clinical testing. Allele origin: germline.
Comment: In silico analysis suggests that this missense variant does not alter protein structure/function; Has not been previously published as pathogenic or benign to our knowledge